The following is an entry in ClinVar:

NM_001127178.3(PIGG):c.2017C>T (p.Gln673Ter)

Gene: PIGG (phosphatidylinositol glycan anchor biosynthesis class G (EMM blood group); plus strand). Cytogenetic location: 4p16.3.
Variant type: single nucleotide variant.
Coding change: c.2017C>T on transcript NM_001127178.3 (MANE Select); coding-DNA position 2017, C replaced by T.
Protein change: p.Gln673Ter; replaces glutamine 673 with a stop codon.
Molecular consequence: nonsense. On other transcripts: non-coding transcript variant (6).
Genome position (GRCh38, 1-based): chr4:523,861, C>T. VCF-style: chr4-523861-C-T. GRCh37 (hg19) VCF-style: chr4-517650-C-T.
Other names: c.1750C>T, p.Gln584Ter (NM_001289051.2, NM_001345986.2); c.1618C>T, p.Gln540Ter (NM_001289052.2); c.1726C>T, p.Gln576Ter (NM_001345987.2); c.988C>T, p.Gln330Ter (NM_001345988.2); c.484C>T, p.Gln162Ter (NM_001345990.2, NM_001345991.2); c.919C>T, p.Gln307Ter (NM_001345994.2); c.1993C>T, p.Gln665Ter (NM_017733.5); short protein forms Q162*, Q307*, Q330*, Q540*, Q576*, Q584*, Q665*, Q673*.
Identifiers: ClinVar variation 4886946 (VCV004886946.1).

ClinVar aggregate classification (germline): Likely pathogenic (0 of 4 stars; one submission).

Conditions:
Intellectual disability, autosomal recessive 53 (NEDHSCA). Also called: NEURODEVELOPMENTAL DISORDER WITH OR WITHOUT HYPOTONIA, SEIZURES, AND CEREBELLAR ATROPHY; GLYCOSYLPHOSPHATIDYLINOSITOL BIOSYNTHESIS DEFECT 13; Mental retardation, autosomal recessive 53. Identifiers: Orphanet 488635, MedGen C4310794, MONDO:0014832, OMIM 616917.

Submission:

Clinical Genetics Service, Universitary Hospital 12 de Octubre
Classification: Likely pathogenic for Intellectual disability, autosomal recessive 53. Last evaluated: 2026-08-26. Review status: no assertion criteria provided. Collection method: clinical testing. Allele origin: biparental. Inheritance: Autosomal recessive inheritance. Affected: yes. Observed: 2 variant alleles, 2 compound heterozygotes.
Comment: The c.2017C>T, p.(Gln673*) variant in the PIGG gene is a nonsense variant predicted to introduce a premature termination codon at amino acid 673, resulting in a truncated protein lacking approximately the C-terminal 310 amino acids. Loss of function is an established disease mechanism for PIGG-related neurodevelopmental disorder, and pathogenic truncating variants have been reported in affected individuals. To our knowledge, the c.2017C>T, p.(Gln673*) variant has not previously been reported in the scientific literature in affected individuals and may therefore represent a novel disease-associated PIGG variant. Importantly, it was identified in compound heterozygosity in two affected siblings together with the c.413A>G, p.(Asn138Ser) variant, for which clinical and functional evidence supports a deleterious effect. Overall, considering its predicted loss-of-function effect, the established role of loss-of-function variants in PIGG-related disease, and its occurrence in compound heterozygosity with a likely pathogenic PIGG variant in two affected siblings, the variant was classified as likely pathogenic.